The following is an entry in ClinVar:

NM_001040108.2(MLH3):c.3085A>G (p.Arg1029Gly)

Gene: MLH3 (mutL homolog 3; minus strand). Cytogenetic location: 14q24.3.
Variant type: single nucleotide variant.
Coding change: c.3085A>G on transcript NM_001040108.2 (MANE Select); coding-DNA position 3085, A replaced by G.
Protein change: p.Arg1029Gly; replaces arginine 1029 with glycine.
Molecular consequence: missense variant.
Genome position (GRCh38, 1-based): chr14:75,046,571, T>C on the plus strand (A>G on the coding strand, the complement: MLH3 is on the minus strand). VCF-style: chr14-75046571-T-C. GRCh37 (hg19) VCF-style: chr14-75513274-T-C.
Other names: c.3085A>G, p.Arg1029Gly (NM_014381.3); short protein forms R1029G.
Identifiers: ClinVar variation 5024632 (VCV005024632.1).

ClinVar aggregate classification (germline): Uncertain significance (1 of 4 stars; one submission).

gnomAD v4.1: 1 of 1,614,112 alleles (0.000062%); highest among the groups gnomAD compares: Non-Finnish European, 0.000085%; no homozygotes.

Submission:

Ambry Genetics
Classification: Uncertain significance. Last evaluated: 2026-08-20. Review status: criteria provided, single submitter. Criteria: Ambry Variant Classification Scheme 2023. Collection method: clinical testing. Allele origin: germline.
Comment: The p.R1029G variant (also known as c.3085A>G), located in coding exon 1 of the MLH3 gene, results from an A to G substitution at nucleotide position 3085. The arginine at codon 1029 is replaced by glycine, an amino acid with dissimilar properties. This amino acid position is conserved. In addition, this alteration is predicted to be tolerated by in silico analysis. Based on the available evidence, the clinical significance of this variant remains unclear.